The following is an entry in ClinVar:

NM_004569.5(PIGH):c.72G>A (p.Pro24=)

Genes: GPHN (gephyrin; plus strand), PIGH (phosphatidylinositol glycan anchor biosynthesis class H; minus strand), LOC130055900 (ATAC-STARR-seq lymphoblastoid active region 8583; plus strand). Cytogenetic location: 14q24.1.
Variant type: single nucleotide variant.
Coding change: c.72G>A on transcript NM_004569.5 (MANE Select); coding-DNA position 72, G replaced by A.
Protein change: p.Pro24=; no amino-acid change (proline 24 retained).
Molecular consequence: synonymous variant.
Genome position (GRCh38, 1-based): chr14:67,600,132, C>T on the plus strand (G>A on the coding strand, the complement: PIGH is on the minus strand). VCF-style: chr14-67600132-C-T. GRCh37 (hg19) VCF-style: chr14-68066849-C-T.
Other names: c.72G>A, p.Pro24= (NM_001363694.2).
Identifiers: ClinVar variation 3038313 (VCV003038313.2), dbSNP rs28521930, ClinGen allele CA7237621.
Genomic context (GRCh38, chr14:67,600,132, plus strand): 5'-GACAGCGGTGAGCGAACGCAGCGAGAGCCGAGGGCAGCTGAGGCAGAATTCCCGGCAGGA[C>T]GGGGAGTAGTAGCGGCGCTGCAGCGCCAGGCGGCCGCCGCAGATATCCGAAAAGCTCCGC-3'
Protein context (NP_004560.1, residues 14-34): RLALQRRYYS[Pro24=]SCREFCLSCP

ClinVar aggregate classification (germline): Benign (0 of 4 stars; one submission).

Conditions:
PIGH-related disorder. Also called: PIGH-related condition.

Allele frequency attached by ClinVar (database versions not stated): gnomAD 0.03091; 1000 Genomes Project 30x 0.04294; TOPMed 0.03504; ExAC 0.02017; 1000 Genomes Project 0.03874; gnomAD exomes 0.00442; ESP Exome Variant Server 0.03094.
gnomAD v4.1: 11,416 of 1,595,604 alleles (0.72%); highest among the groups gnomAD compares: African/African-American, 9.9%; 399 homozygotes.

Submission:

PreventionGenetics, part of Exact Sciences
Classification: Benign for PIGH-related condition. Last evaluated: 2022-11-17. Review status: no assertion criteria provided. Collection method: clinical testing. Allele origin: germline.
Comment: This variant is classified as benign based on ACMG/AMP sequence variant interpretation guidelines (Richards et al. 2015 PMID: 25741868, with internal and published modifications).